The following is an entry in ClinVar:

NM_020632.3(ATP6V0A4):c.842G>A (p.Arg281His)

Gene: ATP6V0A4 (ATPase H+ transporting V0 subunit a4; minus strand). Cytogenetic location: 7q34.
Variant type: single nucleotide variant.
Coding change: c.842G>A on transcript NM_020632.3 (MANE Select); coding-DNA position 842, G replaced by A.
Protein change: p.Arg281His; replaces arginine 281 with histidine.
Molecular consequence: missense variant.
Genome position (GRCh38, 1-based): chr7:138,752,812, C>T on the plus strand (G>A on the coding strand, the complement: ATP6V0A4 is on the minus strand). VCF-style: chr7-138752812-C-T. GRCh37 (hg19) VCF-style: chr7-138437557-C-T.
Other names: c.842G>A, p.Arg281His (NM_130840.3, NM_130841.3); short protein forms R281H.
Identifiers: ClinVar variation 909531 (VCV000909531.7), dbSNP rs532107577, ClinGen allele CA4504961.

ClinVar aggregate classification (germline): Uncertain significance. Review status: criteria provided, multiple submitters, no conflicts (2 of 4 stars). 3 submissions from 3 submitters: Uncertain significance (3). Last evaluated 2024-03-01.

Conditions:
Autosomal recessive distal renal tubular acidosis. Identifiers: Orphanet 402041, MedGen C1864498, MONDO:0018440.
Renal tubular acidosis, distal, 3, with or without sensorineural hearing loss (DRTA3). Identifiers: MedGen C5399980, MONDO:0011268, OMIM 602722.

Allele frequency attached by ClinVar (database versions not stated): ExAC 0.00001; gnomAD exomes 0.00002; gnomAD 0.00003; TOPMed 0.00004.
gnomAD v4.1: 45 of 1,614,082 alleles (0.0028%); highest among the groups gnomAD compares: Non-Finnish European, 0.0031%; no homozygotes.

Submissions (3):

Fulgent Genetics
Classification: Uncertain significance for Renal tubular acidosis, distal, 3, with or without sensorineural hearing loss. Last evaluated: 2024-03-01. Review status: criteria provided, single submitter. Criteria: ACMG Guidelines, 2015. Collection method: clinical testing. Allele origin: germline.

Illumina Laboratory Services, Illumina
Classification: Uncertain significance for Renal tubular acidosis, distal, 3, with or without sensorineural hearing loss. Last evaluated: 2018-01-13. Review status: criteria provided, single submitter. Criteria: ICSL Variant Classification Criteria 13 December 2019. Collection method: clinical testing. Allele origin: germline.

Juno Genomics, Hangzhou Juno Genomics, Inc
Classification: Uncertain significance for Renal tubular acidosis, distal, 3, with or without sensorineural hearing loss. Review status: criteria provided, single submitter. Criteria: ACMG Guidelines, 2015. Collection method: clinical testing. Allele origin: germline.
Comment: Absent from controls (or at extremely low frequency if recessive) in Genome Aggregation Database.;Multiple lines of computational evidence support a deleterious effect on the gene or gene product.